The following is an entry in ClinVar:

ClinVar aggregate classification (germline): Uncertain significance. Review status: criteria provided, multiple submitters, no conflicts (2 of 4 stars). 2 submissions from 2 submitters: Uncertain significance (2). Last evaluated 2024-04-22.

Conditions:
Hereditary cancer-predisposing syndrome. Also called: Neoplastic Syndromes, Hereditary; Tumor predisposition; Hereditary neoplastic syndrome; Hereditary Cancer Syndrome. Identifiers: Orphanet 140162, MedGen C0027672, MeSH D009386, MONDO:0015356.
Retinoblastoma (RB1). Also called: RETINOBLASTOMA, SOMATIC. Identifiers: Orphanet 790, MedGen C0035335, MeSH D012175, MONDO:0008380, OMIM 180200, HP:0009919. Disease mechanism: loss of function. Inheritance: Both sporadic and heritable forms are tested..

gnomAD v4.1: 1 of 1,609,966 alleles (0.000062%); highest among the groups gnomAD compares: Non-Finnish European, 0.000085%; no homozygotes.

Submissions (2):

Labcorp Genetics (formerly Invitae), Labcorp
Classification: Uncertain significance for Retinoblastoma. Last evaluated: 2024-04-22. Review status: criteria provided, single submitter. Criteria: Invitae Variant Classification Sherloc (09022015). Collection method: clinical testing. Allele origin: germline.
Comment: This sequence change replaces glycine, which is neutral and non-polar, with glutamic acid, which is acidic and polar, at codon 203 of the RB1 protein (p.Gly203Glu). This variant is not present in population databases (gnomAD no frequency). This variant has not been reported in the literature in individuals affected with RB1-related conditions. ClinVar contains an entry for this variant (Variation ID: 1363592). An algorithm developed to predict the effect of missense changes on protein structure and function (PolyPhen-2) suggests that this variant is likely to be disruptive. In summary, the available evidence is currently insufficient to determine the role of this variant in disease. Therefore, it has been classified as a Variant of Uncertain Significance.

Ambry Genetics
Classification: Uncertain significance for Hereditary cancer-predisposing syndrome. Last evaluated: 2021-12-10. Review status: criteria provided, single submitter. Criteria: Ambry Variant Classification Scheme 2023. Collection method: clinical testing. Allele origin: germline.
Comment: The p.G203E variant (also known as c.608G>A) is located in coding exon 7 of the RB1 gene. The glycine at codon 203 is replaced by glutamic acid, an amino acid with similar properties. This change occurs in the first base pair of coding exon 7. This amino acid position is highly conserved in available vertebrate species. In addition, the in silico prediction for this alteration is inconclusive. Since supporting evidence is limited at this time, the clinical significance of this alteration remains unclear.

NM_000321.3(RB1):c.608G>A (p.Gly203Glu)

Gene: RB1 (RB transcriptional corepressor 1; plus strand). Cytogenetic location: 13q14.2.
Variant type: single nucleotide variant.
Coding change: c.608G>A on transcript NM_000321.3 (MANE Select); coding-DNA position 608, G replaced by A.
Protein change: p.Gly203Glu; replaces glycine 203 with glutamic acid.
Molecular consequence: missense variant.
Genome position (GRCh38, 1-based): chr13:48,360,017, G>A. VCF-style: chr13-48360017-G-A. GRCh37 (hg19) VCF-style: chr13-48934153-G-A.
Other names: short protein forms G203E.
Identifiers: ClinVar variation 1363592 (VCV001363592.10), dbSNP rs2138107541, ClinGen allele CA388158084.